The following is an entry in ClinVar:

ClinVar aggregate classification (germline): Benign. Review status: criteria provided, multiple submitters, no conflicts (2 of 4 stars). 4 submissions from 4 submitters: Benign (4). Last evaluated 2026-02-02.

Conditions:
Immunodeficiency due to CD25 deficiency. Also called: IMMUNODEFICIENCY 41 WITH LYMPHOPROLIFERATION AND AUTOIMMUNITY; IL2RA DEFICIENCY; CD25 DEFICIENCY. Identifiers: Orphanet 169100, MedGen C1853392, MONDO:0011664, OMIM 606367.

Allele frequency attached by ClinVar (database versions not stated): gnomAD 0.00009 and 0.00190; TOPMed 0.00040; gnomAD exomes 0.00382 and 0.00783; ExAC 0.00882; 1000 Genomes Project 30x 0.01359; 1000 Genomes Project 0.01518.

Submissions (4):

Labcorp Genetics (formerly Invitae), Labcorp
Classification: Benign for Immunodeficiency due to CD25 deficiency. Last evaluated: 2026-02-02. Review status: criteria provided, single submitter. Criteria: Invitae Variant Classification Sherloc (09022015). Collection method: clinical testing. Allele origin: germline.

Illumina Laboratory Services, Illumina
Classification: Benign for Immunodeficiency due to CD25 deficiency. Last evaluated: 2018-01-13. Review status: criteria provided, single submitter. Criteria: ICSL Variant Classification Criteria 13 December 2019. Collection method: clinical testing. Allele origin: germline.
Comment: This variant was observed in the ICSL laboratory as part of a predisposition screen in an ostensibly healthy population. It had not been previously curated by ICSL or reported in the Human Gene Mutation Database (HGMD: prior to June 1st, 2018), and was therefore a candidate for classification through an automated scoring system. Utilizing variant allele frequency, disease prevalence and penetrance estimates, and inheritance mode, an automated score was calculated to assess if this variant is too frequent to cause the disease. Based on the score and internal cut-off values, a variant classified as benign is not then subjected to further curation. The score for this variant resulted in a classification of benign for this disease.

Eurofins Ntd Llc (ga)
Classification: Benign. Last evaluated: 2015-08-11. Review status: criteria provided, single submitter. Criteria: EGL Classification Definitions 2015. Collection method: clinical testing. Allele origin: germline. Observed: 1 variant allele, 1 heterozygote.

Breakthrough Genomics
Classification: Benign. Review status: criteria provided, single submitter. Criteria: ACMG Guidelines, 2015. Collection method: not provided. Allele origin: germline. Inheritance: Autosomal recessive inheritance. Affected: yes.

NM_000417.3(IL2RA):c.457G>A (p.Val153Ile)

Gene: IL2RA (interleukin 2 receptor subunit alpha; minus strand). Cytogenetic location: 10p15.1.
Variant type: single nucleotide variant.
Coding change: c.457G>A on transcript NM_000417.3 (MANE Select); coding-DNA position 457, G replaced by A.
Protein change: p.Val153Ile; replaces valine 153 with isoleucine.
Molecular consequence: missense variant. On other transcripts: intron variant (2).
Genome position (GRCh38, 1-based): chr10:6,021,604, C>T on the plus strand (G>A on the coding strand, the complement: IL2RA is on the minus strand). VCF-style: chr10-6021604-C-T. GRCh37 (hg19) VCF-style: chr10-6063567-C-T.
Other names: c.368-2105G>A (NM_001308243.2); c.368-1663G>A (NM_001308242.2); short protein forms V153I.
Identifiers: ClinVar variation 281996 (VCV000281996.20), dbSNP rs201188114, ClinGen allele CA5397440.
Genomic context (GRCh38, chr10:6,021,604, plus strand): 5'-CGTGGGTCATTTTGCAGACGCTCTCAGCAGGACCTCTGTGTAGAGCCCTGTATCCCTGGA[C>T]GCACTGATAATAAACCATCTGCCCCACCACGAAATGATAAATTCTCTCTGTGGCTTCATT-3'
Protein context (NP_000408.1, residues 143-163): VVGQMVYYQC[Val153Ile]QGYRALHRGP